The following is an entry in ClinVar:

NM_000548.5(TSC2):c.3429C>G (p.Asp1143Glu)

Gene: TSC2 (TSC complex subunit 2; plus strand). Cytogenetic location: 16p13.3.
Variant type: single nucleotide variant.
Coding change: c.3429C>G on transcript NM_000548.5 (MANE Select); coding-DNA position 3429, C replaced by G.
Protein change: p.Asp1143Glu; replaces aspartic acid 1143 with glutamic acid.
Molecular consequence: missense variant.
Genome position (GRCh38, 1-based): chr16:2,080,196, C>G. VCF-style: chr16-2080196-C-G. GRCh37 (hg19) VCF-style: chr16-2130197-C-G.
Other names: c.3297C>G, p.Asp1099Glu (NM_001077183.3, NM_001370404.1, NM_001406665.1); c.3429C>G, p.Asp1143Glu (NM_001114382.3); c.3390C>G, p.Asp1130Glu (NM_001406667.1); c.3387C>G, p.Asp1129Glu (NM_001406668.1); c.3318C>G, p.Asp1106Glu (NM_001406670.1); c.3288C>G, p.Asp1096Glu (NM_001406671.1); c.3285C>G, p.Asp1095Glu (NM_001406673.1); c.3282C>G, p.Asp1094Glu (NM_001406675.1); and 18 more; short protein forms D1051E, D1095E, D1096E, D565E, D946E, D1050E, D1063E, D1094E.
Identifiers: ClinVar variation 2013872 (VCV002013872.4), dbSNP rs45487691, ClinGen allele CA394288570.

ClinVar aggregate classification (germline): Uncertain significance (1 of 4 stars; one submission).

Conditions:
Tuberous sclerosis 2 (TSC2). Identifiers: Orphanet 805, MedGen C1860707, MONDO:0013199, OMIM 613254.

gnomAD v4.1: 2 of 1,612,958 alleles (0.00012%); highest among the groups gnomAD compares: African/African-American, 0.0013%; no homozygotes.

Submission:

Labcorp Genetics (formerly Invitae), Labcorp
Classification: Uncertain significance for Tuberous sclerosis 2. Last evaluated: 2022-10-03. Review status: criteria provided, single submitter. Criteria: Invitae Variant Classification Sherloc (09022015). Collection method: clinical testing. Allele origin: germline.
Comment: This variant is not present in population databases (gnomAD no frequency). In summary, the available evidence is currently insufficient to determine the role of this variant in disease. Therefore, it has been classified as a Variant of Uncertain Significance. Advanced modeling of protein sequence and biophysical properties (such as structural, functional, and spatial information, amino acid conservation, physicochemical variation, residue mobility, and thermodynamic stability) performed at Invitae indicates that this missense variant is not expected to disrupt TSC2 protein function. This variant has not been reported in the literature in individuals affected with TSC2-related conditions. This sequence change replaces aspartic acid, which is acidic and polar, with glutamic acid, which is acidic and polar, at codon 1143 of the TSC2 protein (p.Asp1143Glu).